The following is an entry in ClinVar:

NM_014874.4(MFN2):c.816+5G>A

Gene: MFN2 (mitofusin 2; plus strand). Cytogenetic location: 1p36.22.
Variant type: single nucleotide variant.
Coding change: c.816+5G>A on transcript NM_014874.4 (MANE Select); 5 bases into the intron after coding-DNA position 816, G replaced by A.
Molecular consequence: intron variant.
Genome position (GRCh38, 1-based): chr1:11,999,100, G>A. VCF-style: chr1-11999100-G-A. GRCh37 (hg19) VCF-style: chr1-12059157-G-A.
Other names: c.816+5G>A (NM_001127660.2).
Identifiers: ClinVar variation 2156081 (VCV002156081.4), dbSNP rs770949123, ClinGen allele CA598924.
Genomic context (GRCh38, chr1:11,999,100, plus strand): 5'-TCATCCTGAACAACCGCTGGGATGCATCTGCCTCAGAGCCCGAGTACATGGAGGAGGTTC[G>A]TGCTTCTGTTTGGCAGTTTGGGGAATGCAACCCCGAGGGAGCACTGCCTGCCACTGGGGC-3'

ClinVar aggregate classification (germline): Uncertain significance (1 of 4 stars; one submission).

Conditions:
Charcot-Marie-Tooth disease type 2. Also called: Charcot-Marie-Tooth type 2. Identifiers: Orphanet 64746, MedGen C0270914, MONDO:0018993.

Allele frequency attached by ClinVar (database versions not stated): gnomAD exomes below 0.00001; gnomAD 0.00001; TOPMed below 0.00001; ExAC 0.00001.
gnomAD v4.1: 7 of 1,613,770 alleles (0.00043%); highest among the groups gnomAD compares: Non-Finnish European, 0.00059%; no homozygotes.

Submission:

Labcorp Genetics (formerly Invitae), Labcorp
Classification: Uncertain significance for Charcot-Marie-Tooth disease type 2. Last evaluated: 2022-11-25. Review status: criteria provided, single submitter. Criteria: Invitae Variant Classification Sherloc (09022015). Collection method: clinical testing. Allele origin: germline.
Comment: In summary, the available evidence is currently insufficient to determine the role of this variant in disease. Therefore, it has been classified as a Variant of Uncertain Significance. Variants that disrupt the consensus splice site are a relatively common cause of aberrant splicing (PMID: 17576681, 9536098). Algorithms developed to predict the effect of sequence changes on RNA splicing suggest that this variant may disrupt the consensus splice site. This variant has not been reported in the literature in individuals affected with MFN2-related conditions. This variant is present in population databases (rs770949123, gnomAD 0.002%). This sequence change falls in intron 8 of the MFN2 gene. It does not directly change the encoded amino acid sequence of the MFN2 protein. It affects a nucleotide within the consensus splice site.

Literature cited by the submitters: PubMed 17576681; PubMed 9536098.